The following is an entry in ClinVar:

ClinVar aggregate classification (germline): Uncertain significance (1 of 4 stars; one submission).

gnomAD v4.1: 86 of 1,194,772 alleles (0.0072%); highest among the groups gnomAD compares: Non-Finnish European, 0.0091%; no homozygotes.

Submission:

Labcorp Genetics (formerly Invitae), Labcorp
Classification: Uncertain significance. Last evaluated: 2025-04-10. Review status: criteria provided, single submitter. Criteria: Invitae Variant Classification Sherloc (09022015). Collection method: clinical testing. Allele origin: germline.
Comment: This sequence change replaces arginine, which is basic and polar, with histidine, which is basic and polar, at codon 765 of the TBC1D8B protein (p.Arg765His). This variant is present in population databases (rs202142436, gnomAD 0.02%). This variant has not been reported in the literature in individuals affected with TBC1D8B-related conditions. An algorithm developed to predict the effect of missense changes on protein structure and function (PolyPhen-2) suggests that this variant is likely to be disruptive. In summary, the available evidence is currently insufficient to determine the role of this variant in disease. Therefore, it has been classified as a Variant of Uncertain Significance.

NM_017752.3(TBC1D8B):c.2294G>A (p.Arg765His)

Gene: TBC1D8B (TBC1 domain family member 8B; plus strand). Cytogenetic location: Xq22.3.
Variant type: single nucleotide variant.
Coding change: c.2294G>A on transcript NM_017752.3 (MANE Select); coding-DNA position 2294, G replaced by A.
Protein change: p.Arg765His; replaces arginine 765 with histidine.
Molecular consequence: missense variant.
Genome position (GRCh38, 1-based): chrX:106,854,238, G>A. VCF-style: chrX-106854238-G-A. GRCh37 (hg19) VCF-style: chrX-106097468-G-A.
Other names: c.2144G>A, p.Arg715His (NM_001441214.1); c.2000G>A, p.Arg667His (NM_001441215.1); short protein forms R765H, R667H, R715H.
Identifiers: ClinVar variation 4737674 (VCV004737674.1).
Genomic context (GRCh38, chrX:106,854,238, plus strand): 5'-TGAAATCATATCTCTTGCAGAAATATGGTAATATTCGCTATGAAGATATACATAGTATGC[G>A]CTGTCGAAATAGGTTGTATGTGATACAGACCCTAGAGGAAACAACAAAACAGAATGTGGT-3'
Protein context (NP_060222.2, residues 755-775): NIRYEDIHSM[Arg765His]CRNRLYVIQT